The following is an entry in ClinVar:

NM_015046.7(SETX):c.2385_2387del (p.Ile795_Lys796delinsMet)

Gene: SETX (senataxin; minus strand). Cytogenetic location: 9q34.13.
Variant type: Deletion.
Coding change: c.2385_2387del on transcript NM_015046.7 (MANE Select); coding-DNA positions 2385 to 2387, 3 bases deleted (AAA; older notation c.2385_2387delAAA).
Protein change: p.Ile795_Lys796delinsMet.
Molecular consequence: inframe indel.
Genome position (GRCh38, 1-based): chr9:132,329,211-132,329,213, TTT deleted on the plus strand (AAA on the coding strand, the reverse complement: SETX is on the minus strand). VCF-style (leftmost placement, unchanged base first): chr9-132329210-CTTT-C. GRCh37 (hg19) VCF-style: chr9-135204597-CTTT-C.
Other names: c.2385_2387del, p.Ile795_Lys796delinsMet (NM_001351527.2, NM_001351528.2).
Identifiers: ClinVar variation 4793693 (VCV004793693.1).

ClinVar aggregate classification (germline): Uncertain significance (1 of 4 stars; one submission).

Conditions:
Spinocerebellar ataxia, autosomal recessive, with axonal neuropathy 2 (SCAN2). Also called: Ataxia-ocular apraxia-2; Ataxia with Oculomotor Apraxia Type 2; Ataxia with Oculomotor Apraxia; ATAXIA-OCULOMOTOR APRAXIA 2. Identifiers: Orphanet 64753, MedGen C1853761, MONDO:0018996, OMIM 606002.
Amyotrophic lateral sclerosis type 4 (ALS4). Also called: NEURONOPATHY, DISTAL HEREDITARY MOTOR, WITH PYRAMIDAL FEATURES; AMYOTROPHIC LATERAL SCLEROSIS 4, JUVENILE. Identifiers: Orphanet 357043, MedGen C1865409, MONDO:0011223, OMIM 602433.

Submission:

Labcorp Genetics (formerly Invitae), Labcorp
Classification: Uncertain significance for Amyotrophic lateral sclerosis type 4; Spinocerebellar ataxia, autosomal recessive, with axonal neuropathy 2. Last evaluated: 2025-08-05. Review status: criteria provided, single submitter. Criteria: Invitae Variant Classification Sherloc (09022015). Collection method: clinical testing. Allele origin: germline.
Comment: This variant, c.2385_2387del, is a complex sequence change that results in the deletion of 2 and insertion of 1 amino acid(s) in the SETX protein (p.Ile795_Lys796delinsMet). This variant is present in population databases (rs755971927, gnomAD 0.03%). This variant has been observed in individual(s) with clinical features of SETX-related conditions (PMID: 36553628). Studies have shown that this variant alters SETX gene expression (PMID: 36553628). In summary, the available evidence is currently insufficient to determine the role of this variant in disease. Therefore, it has been classified as a Variant of Uncertain Significance.

Literature cited by the submitters: PubMed 36553628.